The following is an entry in ClinVar:

ClinVar aggregate classification (germline): Pathogenic/Likely pathogenic. Review status: criteria provided, multiple submitters, no conflicts (2 of 4 stars). 5 submissions from 5 submitters: Pathogenic (2); Likely pathogenic (2). 1 of the submissions does not count toward it. Last evaluated 2021-10-01.

Conditions:
Marfan syndrome (MFS). Also called: Marfan syndrome type 1; Marfan syndrome, classic; Marfan's syndrome; FBN1-Related Marfan Syndrome; MARFAN SYNDROME, TYPE I. Identifiers: Orphanet 284963, Orphanet 558, MedGen C0024796, MONDO:0007947, OMIM 154700.

Submissions (5):

Laboratory of Medical Genetics, National & Kapodistrian University of Athens
Classification: Pathogenic for Marfan syndrome. Last evaluated: 2021-10-01. Review status: criteria provided, single submitter. Criteria: ACMG Guidelines, 2015. Collection method: clinical testing. Allele origin: unknown. Affected: yes.
Comment: PM1, PM2, PM5, PP2, PP3, PP4, PP5

Victorian Clinical Genetics Services, Murdoch Childrens Research Institute
Classification: Pathogenic for Marfan syndrome. Last evaluated: 2020-10-19. Review status: criteria provided, single submitter. Criteria: ACMG Guidelines, 2015. Collection method: clinical testing. Allele origin: germline. Inheritance: Autosomal dominant inheritance. Affected: yes.
Comment: Based on the classification scheme VCGS_Germline_v1.3.4, this variant is classified as Pathogenic. Following criteria are met: 0103 - Dominant negative and loss of function are known mechanisms of disease in this gene and are associated with Marfan syndrome (MIM#154700). Loss of function can be caused by variants that result in premature termination codons and missense variants, whereas dominant negative are most commonly associated with missense variants (PMID: 28596305). The exact genotype-phenotype correlation for this gene is still unclear. However, patients with premature termination variants frequently presented with more systemic features of Marfan syndrome and most also suffered aortic event. Marfan syndrome patients with missense variants presented a higher prevalence of ectopia lentis. (PMID: 29357934) (I) 0107 - This gene is associated with autosomal dominant disease. Patients with an autosomal recessive form of Marfan syndrome have also been reported but are very rare (OMIM, PMID: 30485715). (I) 0115 - Variants in this gene are known to have variable expressivity. Variants in this gene are associated with several allelic disorders, and different phenotypes have been associated with the same variants (OMIM, PMID: 20301510). (I) 0200 - Variant is predicted to result in a missense amino acid change from cysteine to tyrosine. (I) 0251 - This variant is heterozygous. (I) 0301 - Variant is absent from gnomAD (both v2 and v3). (SP) 0501 - Missense variant consistently predicted to be damaging by multiple in silico tools or highly conserved with a major amino acid change. (SP) 0601 - Variant is located in the well-established functional calcium-binding EGF-like 45 domain (PDB). Missense variants impacting a cysteine residue in a calcium-binding EGF-like domain in the FBN1 protein are likely to impact protein function (PMID: 31227806). (SP) 0702 - Other missense variants comparable to the one identified in this case have strong previous evidence for pathogenicity. The p.Cys2571Arg, p.Cys2571Phe and p.Cys2571Trp variants have been reported in patients with Marfan syndrome (ClinVar, PMIDs: 16222657, 26133393, 30293248). (SP) 0802 - This variant has moderate previous evidence of pathogenicity in unrelated individuals. It has been reported in patients with Marfan syndrome with or without ectopia lentis (ClinVar, PMIDs: 27724990, 28588436). (SP) 0905 - No published segregation evidence has been identified for this variant. (I) 1007 - No published functional evidence has been identified for this variant. (I) 1208 - Inheritance information for this variant is not currently available in this individual. (I) Legend: (SP) - Supporting pathogenic, (I) - Information, (SB) - Supporting benign

Laboratory for Molecular Medicine, Mass General Brigham Personalized Medicine
Classification: Likely pathogenic for Marfan syndrome. Last evaluated: 2020-08-24. Review status: criteria provided, single submitter. Criteria: ACMG Guidelines, 2015. Collection method: clinical testing. Allele origin: germline.
Comment: The p.Cys2571Tyr variant in FBN1 has been identified in 2 individuals with Marfan syndrome and was identified as a germline mosaic variant in an unafffected parent (Zhurayev 2016 PubMed: 27724990; Martínez-Quintana 2017 PubMed: 28588436). This variant was absent from large population studies and is reported in ClinVar (allele ID: 539523). Three additional variants involving this codon (p.Cys2571Arg, p.Cys2571Trp and p.Cys2571Phe) have been identified in individuals with Marfan syndrome (Arbustini 2005 PMID: 16222657; Yang 2016 PMID: 27611364; Nair 2018 PMID: 30293248). Computational prediction tools and conservation analyses suggest that this variant may impact the protein, though this information is not predictive enough to determine pathogenicity. Furthermore, this variant affects a highly conserved cysteine residue in the EGF-like domains, which is a common finding in individuals with Marfan syndrome (Schrijver 1999). In summary, although additional studies are required to fully establish its clinical significance, this variant meets criteria to be classified as likely pathogenic for autosomal dominant Marfan syndrome. ACMG/AMP Criteria applied: PM1; PM2; PM5; PP3; PS4_Supporting.

Clinical Genetics and Genomics, Karolinska University Hospital
Classification: Likely pathogenic. Last evaluated: 2014-09-24. Review status: criteria provided, single submitter. Criteria: ACMG Guidelines, 2015. Collection method: clinical testing. Allele origin: germline. Affected: yes. Observed: 1 variant allele.

Center for Medical Genetics Ghent, University of Ghent
Classification: Likely pathogenic for Marfan syndrome. Last evaluated: 2017-11-07. Review status: no assertion criteria provided. Collection method: clinical testing. Allele origin: germline. Affected: yes. Not counted in ClinVar's aggregate classification.

Literature cited by the submitters: PubMed 34008892 (cited by Laboratory of Medical Genetics, National & Kapodistrian University of Athens); NCBI Bookshelf NBK1335 (cited by Victorian Clinical Genetics Services, Murdoch Childrens Research Institute); PubMed 16222657 (cited by Victorian Clinical Genetics Services, Murdoch Childrens Research Institute); PubMed 20301510 (cited by Victorian Clinical Genetics Services, Murdoch Childrens Research Institute); PubMed 26133393 (cited by Victorian Clinical Genetics Services, Murdoch Childrens Research Institute); PubMed 27724990 (cited by Victorian Clinical Genetics Services, Murdoch Childrens Research Institute); PubMed 28588436 (cited by Victorian Clinical Genetics Services, Murdoch Childrens Research Institute); PubMed 28596305 (cited by Victorian Clinical Genetics Services, Murdoch Childrens Research Institute); PubMed 29357934 (cited by Victorian Clinical Genetics Services, Murdoch Childrens Research Institute); PubMed 30293248 (cited by Victorian Clinical Genetics Services, Murdoch Childrens Research Institute); PubMed 30485715 (cited by Victorian Clinical Genetics Services, Murdoch Childrens Research Institute); PubMed 31227806 (cited by Victorian Clinical Genetics Services, Murdoch Childrens Research Institute).

NM_000138.5(FBN1):c.7712G>A (p.Cys2571Tyr)

Gene: FBN1 (fibrillin 1; minus strand). Cytogenetic location: 15q21.1.
Variant type: single nucleotide variant.
Coding change: c.7712G>A on transcript NM_000138.5 (MANE Select); coding-DNA position 7712, G replaced by A.
Protein change: p.Cys2571Tyr; replaces cysteine 2571 with tyrosine.
Molecular consequence: missense variant.
Genome position (GRCh38, 1-based): chr15:48,420,794, C>T on the plus strand (G>A on the coding strand, the complement: FBN1 is on the minus strand). VCF-style: chr15-48420794-C-T. GRCh37 (hg19) VCF-style: chr15-48712991-C-T.
Other names: short protein forms C2571Y.
Identifiers: ClinVar variation 549422 (VCV000549422.6), dbSNP rs1555394153, ClinGen allele CA392324826.